The following is an entry in ClinVar:

ClinVar aggregate classification (germline): Conflicting classifications of pathogenicity. Review status: criteria provided, conflicting classifications (1 of 4 stars). 3 submissions from 3 submitters: Uncertain significance (2); Likely benign (1). Last evaluated 2025-08-11.

gnomAD v4.1: 7 of 1,613,408 alleles (0.00043%); highest among the groups gnomAD compares: Admixed American, 0.012%; no homozygotes.

Submissions (3):

Ambry Genetics
Classification: Uncertain significance. Last evaluated: 2025-08-11. Review status: criteria provided, single submitter. Criteria: Ambry Variant Classification Scheme 2023. Collection method: clinical testing. Allele origin: germline.

Labcorp Genetics (formerly Invitae), Labcorp
Classification: Uncertain significance. Last evaluated: 2025-08-04. Review status: criteria provided, single submitter. Criteria: Invitae Variant Classification Sherloc (09022015). Collection method: clinical testing. Allele origin: germline.
Comment: This sequence change replaces arginine, which is basic and polar, with leucine, which is neutral and non-polar, at codon 292 of the PITPNM3 protein (p.Arg292Leu). This variant is present in population databases (rs769346914, gnomAD 0.02%). This variant has not been reported in the literature in individuals affected with PITPNM3-related conditions. ClinVar contains an entry for this variant (Variation ID: 1912439). Invitae Evidence Modeling of protein sequence and biophysical properties (such as structural, functional, and spatial information, amino acid conservation, physicochemical variation, residue mobility, and thermodynamic stability) indicates that this missense variant is not expected to disrupt PITPNM3 protein function with a negative predictive value of 80%. In summary, the available evidence is currently insufficient to determine the role of this variant in disease. Therefore, it has been classified as a Variant of Uncertain Significance.

Blueprint Genetics
Classification: Likely benign. Last evaluated: 2020-11-27. Review status: criteria provided, single submitter. Criteria: ACMG Guidelines, 2015. Collection method: clinical testing. Allele origin: germline.

NM_031220.4(PITPNM3):c.875G>T (p.Arg292Leu)

Gene: PITPNM3 (PITPNM family member 3; minus strand). Cytogenetic location: 17p13.2.
Variant type: single nucleotide variant.
Coding change: c.875G>T on transcript NM_031220.4 (MANE Select); coding-DNA position 875, G replaced by T.
Protein change: p.Arg292Leu; replaces arginine 292 with leucine.
Molecular consequence: missense variant.
Genome position (GRCh38, 1-based): chr17:6,478,000, C>A on the plus strand (G>T on the coding strand, the complement: PITPNM3 is on the minus strand). VCF-style: chr17-6478000-C-A. GRCh37 (hg19) VCF-style: chr17-6381320-C-A.
Other names: c.875G>T (NM_031220.3); c.767G>T, p.Arg256Leu (NM_001165966.2); short protein forms R256L, R292L.
Identifiers: ClinVar variation 1912439 (VCV001912439.7), dbSNP rs769346914, ClinGen allele CA8329710.
Genomic context (GRCh38, chr17:6,478,000, plus strand): 5'-CATACCCCTCCCGCGGTCCTGTCCCCCGGCTGTACCTGGGTGCTGCTGATGCTCCCCTTC[C>A]GGCTGCTGCTGGCAGGGCTGTCCCCTGAGGGCCCCGCACTGTAGCAGATGGCATCGAAGG-3'
Protein context (NP_112497.2, residues 282-302): PSGDSPASSS[Arg292Leu]KGSISSTQDT